The following is an entry in ClinVar:

NM_004415.4(DSP):c.8426C>T (p.Ser2809Leu)

Gene: DSP (desmoplakin; plus strand). Cytogenetic location: 6p24.3.
Variant type: single nucleotide variant.
Coding change: c.8426C>T on transcript NM_004415.4 (MANE Select); coding-DNA position 8426, C replaced by T.
Protein change: p.Ser2809Leu; replaces serine 2809 with leucine.
Molecular consequence: missense variant.
Genome position (GRCh38, 1-based): chr6:7,585,688, C>T. VCF-style: chr6-7585688-C-T. GRCh37 (hg19) VCF-style: chr6-7585921-C-T.
Other names: c.6629C>T, p.Ser2210Leu (NM_001008844.3); c.7097C>T, p.Ser2366Leu (NM_001319034.2); c.8426C>T (NM_004415.3); short protein forms S2210L, S2366L, S2809L.
Identifiers: ClinVar variation 1763333 (VCV001763333.14), dbSNP rs1355303627, ClinGen allele CA362695121.

ClinVar aggregate classification (germline): Uncertain significance. Review status: criteria provided, multiple submitters, no conflicts (2 of 4 stars). 7 submissions from 7 submitters: Uncertain significance (7). Last evaluated 2026-09-17.

Conditions:
Arrhythmogenic cardiomyopathy with wooly hair and keratoderma. Also called: PALMOPLANTAR KERATODERMA WITH LEFT VENTRICULAR CARDIOMYOPATHY AND WOOLLY HAIR; Carvajal syndrome; Arrhythmogenic cardiomyopathy with woolly hair and keratoderma; Dilated cardiomyopathy with woolly hair and keratoderma. Identifiers: Orphanet 65282, MedGen C1854063, MONDO:0011581, OMIM 605676.
DSP-related disorder. Also called: DSP-related disorders; DSP-related condition.
Cardiovascular phenotype. Identifiers: MedGen CN230736.
Arrhythmogenic right ventricular dysplasia 8 (ARVD8). Also called: Arrhythmogenic Right Ventricular Dysplasia/Cardiomyopathy 8; ARRHYTHMOGENIC RIGHT VENTRICULAR DYSPLASIA, FAMILIAL, 8; ARRHYTHMOGENIC RIGHT VENTRICULAR CARDIOMYOPATHY 8. Identifiers: MedGen C1843896, MONDO:0011831, OMIM 607450.
Cardiomyopathy (CMYO). Also called: Cardiomyopathies. Identifiers: Orphanet 167848, MedGen C0878544, MONDO:0004994, HP:0001638. Inheritance: Various modes of inheritance.

Allele frequency attached by ClinVar (database versions not stated): gnomAD 0.00001; TOPMed 0.00001.
gnomAD v4.1: 29 of 1,614,066 alleles (0.0018%); highest among the groups gnomAD compares: Non-Finnish European, 0.0024%; no homozygotes.

Submissions (7):

PreventionGenetics, part of Exact Sciences
Classification: Uncertain significance for DSP-related condition. Last evaluated: 2026-09-17. Review status: criteria provided, single submitter. Criteria: ACMG Guidelines, 2015. Collection method: clinical testing. Allele origin: germline.
Comment: The DSP c.8426C>T variant is predicted to result in the amino acid substitution p.Ser2809Leu. This variant has been reported in a cohort of individuals with hypertrophic cardiomyopathy (Supplementary Table 1, Lopes et al. 2014. PubMed ID: 25351510). This variant is reported in 0.0065% of alleles in individuals of European (Non-Finnish) descent in gnomAD. At this time, the clinical significance of this variant is uncertain due to the absence of conclusive functional and genetic evidence.

Ambry Genetics
Classification: Uncertain significance for Cardiovascular phenotype. Last evaluated: 2025-10-07. Review status: criteria provided, single submitter. Criteria: Ambry Variant Classification Scheme 2023. Collection method: clinical testing. Allele origin: germline.
Comment: The p.S2809L variant (also known as c.8426C>T), located in coding exon 24 of the DSP gene, results from a C to T substitution at nucleotide position 8426. The serine at codon 2809 is replaced by leucine, an amino acid with dissimilar properties. This alteration has been reported in a hypertrophic cardiomyopathy (HCM) cohort; however, clinical details were limited (Lopes LR et al. Heart, 2015 Feb;101:294-301). This amino acid position is highly conserved in available vertebrate species. In addition, the in silico prediction for this alteration is inconclusive. Based on the available evidence, the clinical significance of this variant remains unclear.

Labcorp Genetics (formerly Invitae), Labcorp
Classification: Uncertain significance for Arrhythmogenic cardiomyopathy with wooly hair and keratoderma; Arrhythmogenic right ventricular dysplasia 8. Last evaluated: 2025-09-29. Review status: criteria provided, single submitter. Criteria: Invitae Variant Classification Sherloc (09022015). Collection method: clinical testing. Allele origin: germline.
Comment: This sequence change replaces serine, which is neutral and polar, with leucine, which is neutral and non-polar, at codon 2809 of the DSP protein (p.Ser2809Leu). This variant is not present in population databases (gnomAD no frequency). This missense change has been observed in individual(s) with hypertrophic cardiomyopathy (PMID: 25351510). ClinVar contains an entry for this variant (Variation ID: 1763333). An algorithm developed to predict the effect of missense changes on protein structure and function (PolyPhen-2) suggests that this variant is likely to be disruptive. In summary, the available evidence is currently insufficient to determine the role of this variant in disease. Therefore, it has been classified as a Variant of Uncertain Significance.

Women's Health and Genetics/Laboratory Corporation of America, LabCorp
Classification: Uncertain significance. Last evaluated: 2024-07-09. Review status: criteria provided, single submitter. Criteria: LabCorp Variant Classification Summary - May 2015. Collection method: clinical testing. Allele origin: germline.
Comment: Variant summary: DSP c.8426C>T (p.Ser2809Leu) results in a non-conservative amino acid change in the encoded protein sequence. Four of five in-silico tools predict a damaging effect of the variant on protein function. The variant was absent in 250836 control chromosomes (gnomAD). The available data on variant occurrences in the general population are insufficient to allow any conclusion about variant significance. To our knowledge, no occurrence of c.8426C>T in individuals affected with Arrhythmogenic Right Ventricular Dysplasia/Cardiomyopathy and no experimental evidence demonstrating its impact on protein function have been reported. ClinVar contains an entry for this variant (Variation ID: 1763333). Based on the evidence outlined above, the variant was classified as uncertain significance.

All of Us Research Program, National Institutes of Health
Classification: Uncertain significance for Arrhythmogenic cardiomyopathy with wooly hair and keratoderma. Last evaluated: 2024-06-09. Review status: criteria provided, single submitter. Criteria: ACMG Guidelines, 2015. Collection method: clinical testing. Allele origin: germline. Inheritance: Autosomal dominant inheritance. Observed: 2 variant alleles, 2 heterozygotes.
Comment: This missense variant replaces serine with leucine at codon 2809 of the DSP protein. Computational prediction suggests that this variant may not impact protein structure and function (internally defined REVEL score threshold <= 0.5, PMID: 27666373). To our knowledge, functional studies have not been reported for this variant. This variant has not been reported in individuals affected with DSP-related disorders in the literature. This variant has not been identified in the general population by the Genome Aggregation Database (gnomAD). The available evidence is insufficient to determine the role of this variant in disease conclusively. Therefore, this variant is classified as a Variant of Uncertain Significance.

This study involves interpretation of variants in research participants for the purpose of population health screening. Participant phenotype was not available at the time of variant classification. Additional details can be found in publication PMID: 35346344, PMCID: PMC8962531

Color Diagnostics, LLC DBA Color Health
Classification: Uncertain significance for Cardiomyopathy. Last evaluated: 2024-05-23. Review status: criteria provided, single submitter. Criteria: ACMG Guidelines, 2015. Collection method: clinical testing. Allele origin: germline.
Comment: This missense variant replaces serine with leucine at codon 2809 of the DSP protein. Computational prediction suggests that this variant may not impact protein structure and function. To our knowledge, functional studies have not been reported for this variant. This variant has been reported in an individual affected with hypertrophic cardiomyopathy (PMID: 25351510). This variant has not been identified in the general population by the Genome Aggregation Database (gnomAD). The available evidence is insufficient to determine the role of this variant in disease conclusively. Therefore, this variant is classified as a Variant of Uncertain Significance.

Blueprint Genetics
Classification: Uncertain significance. Last evaluated: 2022-05-02. Review status: criteria provided, single submitter. Criteria: ACMG Guidelines, 2015. Collection method: clinical testing. Allele origin: germline.

Literature cited by the submitters: PubMed 25351510 (cited by 3 submitters).